The following is an entry in ClinVar:

NM_015443.4(KANSL1):c.1088C>T (p.Thr363Ile)

Gene: KANSL1 (KAT8 regulatory NSL complex subunit 1). Cytogenetic location: 17q21.31.
Variant type: single nucleotide variant.
Coding change: c.1088C>T on transcript NM_015443.4 (MANE Select); coding-DNA position 1088, C replaced by T.
Protein change: p.Thr363Ile; replaces threonine 363 with isoleucine.
Molecular consequence: missense variant.
Genome position (GRCh38, 1-based): chr17:46,171,056, G>A on the plus strand (C>T on the coding strand, the complement: KANSL1 is on the minus strand). VCF-style: chr17-46171056-G-A. GRCh37 (hg19) VCF-style: chr17-44248422-G-A.
Other names: c.1088C>T, p.Thr363Ile (NM_001193465.2, NM_001193466.2, NM_001379198.1); short protein forms T363I.
Identifiers: ClinVar variation 1017956 (VCV001017956.6), dbSNP rs775962610, ClinGen allele CA8618892.

ClinVar aggregate classification (germline): Uncertain significance (1 of 4 stars; one submission).

Conditions:
Koolen-de Vries syndrome (KDVS). Identifiers: Orphanet 96169, MedGen C1864871, MONDO:0012496, OMIM 610443.

Allele frequency attached by ClinVar (database versions not stated): gnomAD exomes below 0.00001 and 0.00001; TOPMed below 0.00001; gnomAD 0.00001; ExAC 0.00002.
gnomAD v4.1: 6 of 1,614,064 alleles (0.00037%); highest among the groups gnomAD compares: Admixed American, 0.0017%; no homozygotes.

Submission:

Labcorp Genetics (formerly Invitae), Labcorp
Classification: Uncertain significance for Koolen-de Vries syndrome. Last evaluated: 2021-09-17. Review status: criteria provided, single submitter. Criteria: Invitae Variant Classification Sherloc (09022015). Collection method: clinical testing. Allele origin: germline.
Comment: Due to the possible presence of a polymorphic segmental duplication, the location of the variant could not be unambiguously resolved. Variants with ambiguous mapping are still reported relative to the KANSL1 transcript. This sequence change replaces threonine with isoleucine at codon 363 of the KANSL1 protein (p.Thr363Ile). The threonine residue is highly conserved and there is a moderate physicochemical difference between threonine and isoleucine. The frequency data for this variant in the population databases is considered unreliable, as metrics indicate poor data quality at this position in the ExAC database. This variant has not been reported in the literature in individuals with KANSL1-related conditions. Algorithms developed to predict the effect of missense changes on protein structure and function are either unavailable or do not agree on the potential impact of this missense change (SIFT: "Deleterious"; PolyPhen-2: "Benign"; Align-GVGD: "Class C15"). Until the location of this sequence change can be resolved, the clinical significance of this variant remains uncertain. It has been classified as a Variant of Uncertain Significance.